The following is an entry in ClinVar:

NM_000701.8(ATP1A1):c.235G>A (p.Ala79Thr)

Gene: ATP1A1 (ATPase Na+/K+ transporting subunit alpha 1; plus strand). Cytogenetic location: 1p13.1.
Variant type: single nucleotide variant.
Coding change: c.235G>A on transcript NM_000701.8 (MANE Select); coding-DNA position 235, G replaced by A.
Protein change: p.Ala79Thr; replaces alanine 79 with threonine.
Molecular consequence: missense variant.
Genome position (GRCh38, 1-based): chr1:116,387,339, G>A. VCF-style: chr1-116387339-G-A. GRCh37 (hg19) VCF-style: chr1-116929961-G-A.
Other names: c.235G>A, p.Ala79Thr (NM_001160233.2); c.142G>A, p.Ala48Thr (NM_001160234.2); short protein forms A48T, A79T.
Identifiers: ClinVar variation 1967915 (VCV001967915.5), dbSNP rs1004452127, ClinGen allele CA30068901.
Genomic context (GRCh38, chr1:116,387,339, plus strand): 5'-GCTTCTCAGGGATTAACATCTGCTCGTGCAGCTGAGATCCTGGCGCGAGATGGTCCCAAC[G>A]CCCTCACTCCCCCTCCCACTACTCCTGAATGGATCAAGTTTTGTCGGCAGCTCTTTGGGG-3'
Protein context (NP_000692.2, residues 69-89): AEILARDGPN[Ala79Thr]LTPPPTTPEW

ClinVar aggregate classification (germline): Uncertain significance (1 of 4 stars; one submission).

Allele frequency attached by ClinVar (database versions not stated): TOPMed 0.00001.
gnomAD v4.1: 11 of 1,614,146 alleles (0.00068%); highest among the groups gnomAD compares: Admixed American, 0.005%; no homozygotes.

Submission:

Labcorp Genetics (formerly Invitae), Labcorp
Classification: Uncertain significance. Last evaluated: 2024-07-16. Review status: criteria provided, single submitter. Criteria: Invitae Variant Classification Sherloc (09022015). Collection method: clinical testing. Allele origin: germline.
Comment: This sequence change replaces alanine, which is neutral and non-polar, with threonine, which is neutral and polar, at codon 79 of the ATP1A1 protein (p.Ala79Thr). This variant is present in population databases (no rsID available, gnomAD 0.006%). This variant has not been reported in the literature in individuals affected with ATP1A1-related conditions. ClinVar contains an entry for this variant (Variation ID: 1967915). Advanced modeling of protein sequence and biophysical properties (such as structural, functional, and spatial information, amino acid conservation, physicochemical variation, residue mobility, and thermodynamic stability) performed at Invitae indicates that this missense variant is not expected to disrupt ATP1A1 protein function with a negative predictive value of 80%. In summary, the available evidence is currently insufficient to determine the role of this variant in disease. Therefore, it has been classified as a Variant of Uncertain Significance.